The following is an entry in ClinVar:

NM_015570.4(AUTS2):c.2785G>A (p.Ala929Thr)

Gene: AUTS2 (activator of transcription and developmental regulator AUTS2; plus strand). Cytogenetic location: 7q11.22.
Variant type: single nucleotide variant.
Coding change: c.2785G>A on transcript NM_015570.4 (MANE Select); coding-DNA position 2785, G replaced by A.
Protein change: p.Ala929Thr; replaces alanine 929 with threonine.
Molecular consequence: missense variant.
Genome position (GRCh38, 1-based): chr7:70,790,001, G>A. VCF-style: chr7-70790001-G-A. GRCh37 (hg19) VCF-style: chr7-70254987-G-A.
Other names: c.2785G>A (NM_015570.2); c.2713G>A, p.Ala905Thr (NM_001127231.3); short protein forms A905T, A929T.
Identifiers: ClinVar variation 2657537 (VCV002657537.29), dbSNP rs1340261250, ClinGen allele CA367664831.

ClinVar aggregate classification (germline): Conflicting classifications of pathogenicity. Review status: criteria provided, conflicting classifications (1 of 4 stars). 4 submissions from 4 submitters: Uncertain significance (3); Likely benign (1). Last evaluated 2025-12-01.

Conditions:
Autism spectrum disorder due to AUTS2 deficiency (MRD26). Also called: INTELLECTUAL DEVELOPMENTAL DISORDER, AUTOSOMAL DOMINANT 26. Identifiers: Orphanet 352490, MedGen C4014435, MONDO:0014361, OMIM 615834.
Inborn genetic diseases. Identifiers: MedGen C0950123, MeSH D030342.

Allele frequency attached by ClinVar (database versions not stated): gnomAD 0.00001; gnomAD exomes 0.00001; TOPMed 0.00001.
gnomAD v4.1: 9 of 1,599,758 alleles (0.00056%); highest among the groups gnomAD compares: Middle Eastern, 0.017%; no homozygotes.

Submissions (4):

CeGaT Center for Human Genetics Tuebingen
Classification: Likely benign. Last evaluated: 2025-12-01. Review status: criteria provided, single submitter. Criteria: CeGaT Center For Human Genetics Tuebingen Variant Classification Criteria Version 2. Collection method: clinical testing. Allele origin: germline. Affected: yes. Observed: 3 variant alleles.
Comment: AUTS2: BP4

Revvity Omics, Revvity
Classification: Uncertain significance for Autism spectrum disorder due to AUTS2 deficiency. Last evaluated: 2024-08-22. Review status: criteria provided, single submitter. Criteria: ACMG Guidelines, 2015. Collection method: clinical testing. Allele origin: germline.

Ambry Genetics
Classification: Uncertain significance for Inborn genetic diseases. Last evaluated: 2024-01-03. Review status: criteria provided, single submitter. Criteria: Ambry Variant Classification Scheme 2023. Collection method: clinical testing. Allele origin: germline.

Labcorp Genetics (formerly Invitae), Labcorp
Classification: Uncertain significance. Last evaluated: 2023-08-31. Review status: criteria provided, single submitter. Criteria: Invitae Variant Classification Sherloc (09022015). Collection method: clinical testing. Allele origin: germline.
Comment: In summary, the available evidence is currently insufficient to determine the role of this variant in disease. Therefore, it has been classified as a Variant of Uncertain Significance. Advanced modeling of protein sequence and biophysical properties (such as structural, functional, and spatial information, amino acid conservation, physicochemical variation, residue mobility, and thermodynamic stability) performed at Invitae indicates that this missense variant is not expected to disrupt AUTS2 protein function. This variant has not been reported in the literature in individuals affected with AUTS2-related conditions. The frequency data for this variant in the population databases is considered unreliable, as metrics indicate poor data quality at this position in the gnomAD database. This sequence change replaces alanine, which is neutral and non-polar, with threonine, which is neutral and polar, at codon 929 of the AUTS2 protein (p.Ala929Thr).